The following is an entry in ClinVar:

ClinVar aggregate classification (germline): Pathogenic/Likely pathogenic. Review status: criteria provided, multiple submitters, no conflicts (2 of 4 stars). 2 submissions from 2 submitters: Pathogenic (1); Likely pathogenic (1). Last evaluated 2026-02-13.

Conditions:
Developmental and epileptic encephalopathy, 11 (DEE11). Also called: Early infantile epileptic encephalopathy 11. Identifiers: Orphanet 1934, MedGen C3150987, MONDO:0013388, OMIM 613721.
Intellectual disability. Also called: Intellectual functioning disability; intellectual disabilities; Intellectual developmental disorder. Identifiers: MedGen C3714756, MeSH D008607, MONDO:0001071, HP:0001249.

Submissions (2):

Institute of Human Genetics, University of Leipzig Medical Center
Classification: Pathogenic for Developmental and epileptic encephalopathy, 11. Last evaluated: 2026-02-13. Review status: criteria provided, single submitter. Criteria: ACMG Guidelines, 2015. Collection method: clinical testing. Allele origin: maternal. Inheritance: Autosomal dominant inheritance. Affected: yes.
Comment: Criteria applied: PVS1,PS2_MOD,PM2.

Genetics Laboratory, UDIAT-Centre Diagnòstic, Hospital Universitari Parc Tauli
Classification: Likely pathogenic for intellectual disability. Last evaluated: 2024-09-30. Review status: criteria provided, single submitter. Criteria: ACMG Guidelines, 2015. Collection method: clinical testing. Allele origin: unknown. Inheritance: Autosomal dominant inheritance. Affected: yes.
Comment: PVS1_very strong;PM2_supporting

NM_001040142.2(SCN2A):c.3331G>T (p.Glu1111Ter)

Gene: SCN2A (sodium voltage-gated channel alpha subunit 2; plus strand). Cytogenetic location: 2q24.3.
Variant type: single nucleotide variant.
Coding change: c.3331G>T on transcript NM_001040142.2 (MANE Select); coding-DNA position 3331, G replaced by T.
Protein change: p.Glu1111Ter; replaces glutamic acid 1111 with a stop codon.
Molecular consequence: nonsense.
Genome position (GRCh38, 1-based): chr2:165,354,603, G>T. VCF-style: chr2-165354603-G-T. GRCh37 (hg19) VCF-style: chr2-166211113-G-T.
Other names: c.3331G>T, p.Glu1111Ter (NM_001040143.2, NM_001371246.1, NM_001371247.1 and 1 more transcripts); short protein forms E1111*.
Identifiers: ClinVar variation 3897643 (VCV003897643.2).
Genomic context (GRCh38, chr2:165,354,603, plus strand): 5'-GATTACATGTCATTTATAAACAACCCTAGCCTCACTGTGACAGTACCAATTGCTGTTGGA[G>T]AATCTGACTTTGAAAATTTAAATACTGAAGAATTCAGCAGCGAGTCAGATATGGAGGAAA-3'